The following is an entry in ClinVar:

NM_004958.4(MTOR):c.7229A>C (p.His2410Pro)

Gene: MTOR (mechanistic target of rapamycin kinase; minus strand). Cytogenetic location: 1p36.22.
Variant type: single nucleotide variant.
Coding change: c.7229A>C on transcript NM_004958.4 (MANE Select); coding-DNA position 7229, A replaced by C.
Protein change: p.His2410Pro; replaces histidine 2410 with proline.
Molecular consequence: missense variant.
Genome position (GRCh38, 1-based): chr1:11,114,389, T>G on the plus strand (A>C on the coding strand, the complement: MTOR is on the minus strand). VCF-style: chr1-11114389-T-G. GRCh37 (hg19) VCF-style: chr1-11174446-T-G.
Other names: c.7229A>C, p.His2410Pro (NM_001386500.1); c.5981A>C, p.His1994Pro (NM_001386501.1); short protein forms H1994P, H2410P.
Identifiers: ClinVar variation 3369543 (VCV003369543.1).

ClinVar aggregate classification (germline): Uncertain significance (1 of 4 stars; one submission).

Submission:

GeneDx
Classification: Uncertain significance. Last evaluated: 2024-02-20. Review status: criteria provided, single submitter. Criteria: GeneDx Variant Classification Process June 2021. Collection method: clinical testing. Allele origin: germline. Affected: yes.
Comment: Not observed at significant frequency in large population cohorts (gnomAD); In silico analysis supports that this missense variant has a deleterious effect on protein structure/function; Has not been previously published as pathogenic or benign to our knowledge